The following is an entry in ClinVar:

NM_000384.3(APOB):c.1903C>T (p.Arg635Trp)

Gene: APOB (apolipoprotein B; minus strand). Cytogenetic location: 2p24.1.
Variant type: single nucleotide variant.
Coding change: c.1903C>T on transcript NM_000384.3 (MANE Select); coding-DNA position 1903, C replaced by T.
Protein change: p.Arg635Trp; replaces arginine 635 with tryptophan.
Molecular consequence: missense variant.
Genome position (GRCh38, 1-based): chr2:21,027,992, G>A on the plus strand (C>T on the coding strand, the complement: APOB is on the minus strand). VCF-style: chr2-21027992-G-A. GRCh37 (hg19) VCF-style: chr2-21250864-G-A.
Other names: c.1903C>T (NM_000384.2); short protein forms R635W.
Identifiers: ClinVar variation 2925052 (VCV002925052.4), dbSNP rs548108916, ClinGen allele CA054856.

ClinVar aggregate classification (germline): Conflicting classifications of pathogenicity. Review status: criteria provided, conflicting classifications (1 of 4 stars). 2 submissions from 2 submitters: Uncertain significance (1); Likely benign (1). Last evaluated 2026-02-03.

Conditions:
Cardiovascular phenotype. Identifiers: MedGen CN230736.
Hypercholesterolemia, autosomal dominant, type B (FHCL2). Also called: APOB-Related Familial Hypercholesterolemia, Autosomal Dominant; Familial Hypercholesterolemia Type B; APOLIPOPROTEIN B-100, FAMILIAL DEFECTIVE; APOLIPOPROTEIN B-100, FAMILIAL LIGAND-DEFECTIVE; HYPERCHOLESTEROLEMIA, FAMILIAL, DUE TO LIGAND-DEFECTIVE APOLIPOPROTEIN B; Hyperlipoproteinemia Type IIb. Identifiers: MedGen C1704417, MONDO:0007751, OMIM 144010.
Familial hypobetalipoproteinemia 1. Also called: Hypobetalipoproteinemia, normotriglyceridemic; Acanthocytosis with hypobetalipoproteinemia; APOB-Related Familial Hypobetalipoproteinemia. Identifiers: MedGen C4551990, MONDO:0014252, OMIM 615558.

gnomAD v4.1: 14 of 1,613,990 alleles (0.00087%); highest among the groups gnomAD compares: East Asian, 0.011%; no homozygotes.

Submissions (2):

Ambry Genetics
Classification: Uncertain significance for Cardiovascular phenotype. Last evaluated: 2026-02-03. Review status: criteria provided, single submitter. Criteria: Ambry Variant Classification Scheme 2023. Collection method: clinical testing. Allele origin: germline.
Comment: The p.R635W variant (also known as c.1903C>T), located in coding exon 14 of the APOB gene, results from a C to T substitution at nucleotide position 1903. The arginine at codon 635 is replaced by tryptophan, an amino acid with dissimilar properties. This variant was reported in individual(s) with features consistent with coronary artery disease (Koyama S et al. Nat Genet, 2020 Nov;52:1169-1177). This amino acid position is not well conserved in available vertebrate species. In addition, the in silico prediction for this alteration is inconclusive. Based on the available evidence, the clinical significance of this variant remains unclear.

Labcorp Genetics (formerly Invitae), Labcorp
Classification: Likely benign for Familial hypobetalipoproteinemia 1; Hypercholesterolemia, autosomal dominant, type B. Last evaluated: 2024-06-01. Review status: criteria provided, single submitter. Criteria: Invitae Variant Classification Sherloc (09022015). Collection method: clinical testing. Allele origin: germline.

Literature cited by the submitters: PubMed 33020668 (cited by Ambry Genetics).